The following is an entry in ClinVar:

ClinVar aggregate classification (germline): Conflicting classifications of pathogenicity. Review status: criteria provided, conflicting classifications (1 of 4 stars). 3 submissions from 3 submitters: Uncertain significance (1); Benign (1). 1 of the submissions does not count toward it. Last evaluated 2026-01-19.

Conditions:
FBN3-related disorder. Also called: FBN3-related condition.

Allele frequency attached by ClinVar (database versions not stated): gnomAD exomes 0.00101; ExAC 0.00117; gnomAD 0.00250 and 0.00264; ESP Exome Variant Server 0.00254; TOPMed 0.00255; 1000 Genomes Project 0.00280; 1000 Genomes Project 30x 0.00297.
gnomAD v4.1: 984 of 1,613,538 alleles (0.061%); highest among the groups gnomAD compares: African/African-American, 0.83%; 2 homozygotes.

Submissions (3):

Labcorp Genetics (formerly Invitae), Labcorp
Classification: Benign. Last evaluated: 2026-01-19. Review status: criteria provided, single submitter. Criteria: Invitae Variant Classification Sherloc (09022015). Collection method: clinical testing. Allele origin: germline.

Ambry Genetics
Classification: Uncertain significance. Last evaluated: 2025-08-06. Review status: criteria provided, single submitter. Criteria: Ambry Variant Classification Scheme 2023. Collection method: clinical testing. Allele origin: germline.

PreventionGenetics, part of Exact Sciences
Classification: Benign for FBN3-related condition. Last evaluated: 2019-06-24. Review status: no assertion criteria provided. Collection method: clinical testing. Allele origin: germline. Not counted in ClinVar's aggregate classification.
Comment: This variant is classified as benign based on ACMG/AMP sequence variant interpretation guidelines (Richards et al. 2015 PMID: 25741868, with internal and published modifications).

NM_032447.5(FBN3):c.8230G>A (p.Gly2744Arg)

Gene: FBN3 (fibrillin 3; minus strand). Cytogenetic location: 19p13.2.
Variant type: single nucleotide variant.
Coding change: c.8230G>A on transcript NM_032447.5 (MANE Select); coding-DNA position 8230, G replaced by A.
Protein change: p.Gly2744Arg; replaces glycine 2744 with arginine.
Molecular consequence: missense variant.
Genome position (GRCh38, 1-based): chr19:8,066,119, C>T on the plus strand (G>A on the coding strand, the complement: FBN3 is on the minus strand). VCF-style: chr19-8066119-C-T. GRCh37 (hg19) VCF-style: chr19-8131003-C-T.
Other names: c.8230G>A (NM_032447.3, NM_001321431.1); c.8230G>A, p.Gly2744Arg (NM_001321431.2); short protein forms G2744R.
Identifiers: ClinVar variation 709301 (VCV000709301.12), dbSNP rs34941422, ClinGen allele CA9150589.